The following is an entry in ClinVar:

NM_001267550.2(TTN):c.77452G>T (p.Glu25818Ter)

Genes: TTN (titin; minus strand), TTN-AS1 (TTN antisense RNA 1; plus strand). Cytogenetic location: 2q31.2.
Variant type: single nucleotide variant.
Coding change: c.77452G>T on transcript NM_001267550.2 (MANE Select); coding-DNA position 77452, G replaced by T.
Protein change: p.Glu25818Ter; replaces glutamic acid 25818 with a stop codon.
Molecular consequence: nonsense.
Genome position (GRCh38, 1-based): chr2:178,568,680, C>A on the plus strand (G>T on the coding strand, the complement: TTN is on the minus strand). VCF-style: chr2-178568680-C-A. GRCh37 (hg19) VCF-style: chr2-179433407-C-A.
Other names: c.72529G>T, p.Glu24177Ter (NM_001256850.1); c.50257G>T, p.Glu16753Ter (NM_003319.4); c.69748G>T, p.Glu23250Ter (NM_133378.4); c.50632G>T, p.Glu16878Ter (NM_133432.3); c.50833G>T, p.Glu16945Ter (NM_133437.4); short protein forms E16753*, E16878*, E16945*, E23250*, E24177*, E25818*.
Identifiers: ClinVar variation 1175109 (VCV001175109.9), dbSNP rs748619096, ClinGen allele CA349610436.

ClinVar aggregate classification (germline): Pathogenic. Review status: criteria provided, single submitter (1 of 4 stars). 5 submissions from 5 submitters: Pathogenic (1). 4 of the submissions do not count toward it. Last evaluated 2026-03-02.

Conditions:
Cardiovascular phenotype. Identifiers: MedGen CN230736.

Submissions (5):

Molecular Diagnostic Laboratory for Inherited Cardiovascular Disease, Montreal Heart Institute
Classification: Pathogenic for Cardiovascular phenotype. Last evaluated: 2026-03-02. Review status: criteria provided, single submitter. Criteria: ACMG Guidelines, 2015. Collection method: clinical testing. Allele origin: germline. Affected: yes.
Comment: PVS1, PS4_supp, PM2, PP1_strong

Clinical Genetics, Academic Medical Center
Classification: Likely pathogenic. Review status: no assertion criteria provided. Collection method: clinical testing. Allele origin: germline. Affected: yes. Study: VKGL Data-share Consensus. Not counted in ClinVar's aggregate classification.

Diagnostic Laboratory, Department of Genetics, University Medical Center Groningen
Classification: Pathogenic. Review status: no assertion criteria provided. Collection method: clinical testing. Allele origin: germline. Affected: yes. Study: VKGL Data-share Consensus. Not counted in ClinVar's aggregate classification.

Genome Diagnostics Laboratory, University Medical Center Utrecht
Classification: Pathogenic. Review status: no assertion criteria provided. Collection method: clinical testing. Allele origin: germline. Affected: yes. Study: VKGL Data-share Consensus. Not counted in ClinVar's aggregate classification.

Joint Genome Diagnostic Labs from Nijmegen and Maastricht, Radboudumc and MUMC+
Classification: Pathogenic. Review status: no assertion criteria provided. Collection method: clinical testing. Allele origin: germline. Affected: yes. Study: VKGL Data-share Consensus. Not counted in ClinVar's aggregate classification.